The following is an entry in ClinVar:

NM_002691.4(POLD1):c.3267G>T (p.Leu1089=)

Gene: POLD1 (DNA polymerase delta 1, catalytic subunit; plus strand). Cytogenetic location: 19q13.33.
Variant type: single nucleotide variant.
Coding change: c.3267G>T on transcript NM_002691.4 (MANE Select); coding-DNA position 3267, G replaced by T.
Protein change: p.Leu1089=; no amino-acid change (leucine 1089 retained).
Molecular consequence: synonymous variant. On other transcripts: non-coding transcript variant (1).
Genome position (GRCh38, 1-based): chr19:50,417,890, G>T. VCF-style: chr19-50417890-G-T. GRCh37 (hg19) VCF-style: chr19-50921147-G-T.
Other names: c.3267G>T, p.Leu1089= (NM_001256849.1); c.3345G>T, p.Leu1115= (NM_001308632.1).
Identifiers: ClinVar variation 681458 (VCV000681458.1), dbSNP rs1601254186, ClinGen allele CA508186731.
Genomic context (GRCh38, chr19:50,417,890, plus strand): 5'-CCCCACCCGCAGCCGGGACTGCCCCATCTTCTACATGCGCAAGAAGGTGCGGAAGGACCT[G>T]GAAGACCAGGAGCAGCTCCTGCGGCGCTTCGGACCCCCTGGACCTGAGGCCTGGTGACCT-3'
Protein context (NP_002682.2, residues 1079-1099): FYMRKKVRKD[Leu1089=]EDQEQLLRRF

ClinVar aggregate classification (germline): Likely benign (1 of 4 stars; one submission).

Submission:

GeneDx
Classification: Likely benign. Last evaluated: 2018-03-29. Review status: criteria provided, single submitter. Criteria: GeneDx Variant Classification (06012015). Collection method: clinical testing. Allele origin: germline. Affected: yes.
Comment: This variant is considered likely benign or benign based on one or more of the following criteria: it is a conservative change, it occurs at a poorly conserved position in the protein, it is predicted to be benign by multiple in silico algorithms, and/or has population frequency not consistent with disease.